The following is an entry in ClinVar:

ClinVar aggregate classification (germline): Uncertain significance. Review status: criteria provided, multiple submitters, no conflicts (2 of 4 stars). 2 submissions from 2 submitters: Uncertain significance (2). Last evaluated 2026-08-23.

Conditions:
TRMU-related disorder. Also called: TRMU-related condition.

Allele frequency attached by ClinVar (database versions not stated): TOPMed 0.00002; gnomAD 0.00004; gnomAD exomes 0.00001.

Submissions (2):

PreventionGenetics, part of Exact Sciences
Classification: Uncertain significance for TRMU-related condition. Last evaluated: 2026-08-23. Review status: criteria provided, single submitter. Criteria: ACMG Guidelines, 2015. Collection method: clinical testing. Allele origin: germline.
Comment: The TRMU c.17A>G variant is predicted to result in the amino acid substitution p.His6Arg. To our knowledge, this variant has not been reported in the literature. This variant is reported in 0.012% of alleles in individuals of African descent in gnomAD. At this time, the clinical significance of this variant is uncertain due to the absence of conclusive functional and genetic evidence.

Mayo Clinic Laboratories, Mayo Clinic
Classification: Uncertain significance. Last evaluated: 2022-01-03. Review status: criteria provided, single submitter. Criteria: ACMG Guidelines, 2015. Collection method: clinical testing. Allele origin: germline.

NM_018006.5(TRMU):c.17A>G (p.His6Arg)

Gene: TRMU (tRNA mitochondrial 2-thiouridylase; plus strand). Cytogenetic location: 22q13.31.
Variant type: single nucleotide variant.
Coding change: c.17A>G on transcript NM_018006.5 (MANE Select); coding-DNA position 17, A replaced by G.
Protein change: p.His6Arg; replaces histidine 6 with arginine.
Molecular consequence: missense variant. On other transcripts: 5 prime UTR variant (3), non-coding transcript variant (2).
Genome position (GRCh38, 1-based): chr22:46,335,781, A>G. VCF-style: chr22-46335781-A-G. GRCh37 (hg19) VCF-style: chr22-46731678-A-G.
Other names: p.His6Arg; c.17A>G (NM_018006.4); c.-219A>G (NM_001282782.2); c.-238A>G (NM_001282783.2, NM_001282784.2); c.17A>G, p.His6Arg (NM_001282785.2); short protein forms H6R.
Identifiers: ClinVar variation 1693778 (VCV001693778.5), dbSNP rs999326883, ClinGen allele CA325155200.